The following is an entry in ClinVar:

ClinVar aggregate classification (germline): Pathogenic/Likely pathogenic. Review status: criteria provided, multiple submitters, no conflicts (2 of 4 stars). 4 submissions from 4 submitters: Pathogenic (1); Likely pathogenic (2). 1 of the submissions does not count toward it. Last evaluated 2025-09-02.

Conditions:
Walker-Warburg congenital muscular dystrophy. Also called: Muscular dystrophy-dystroglycanopathy, type A; Walker-Warburg syndrome. Identifiers: Orphanet 899, MedGen C0265221, MONDO:0000171.
Autosomal recessive limb-girdle muscular dystrophy type 2I. Also called: MUSCULAR DYSTROPHY, LIMB-GIRDLE, TYPE 2I; MUSCULAR DYSTROPHY-DYSTROGLYCANOPATHY (LIMB-GIRDLE), TYPE C, 5; MUSCULAR DYSTROPHY-DYSTROGLYCANOPATHY, LIMB-GIRDLE, FRKP-RELATED. Identifiers: Orphanet 34515, MedGen C1846672, MONDO:0011787, OMIM 607155.
Muscular dystrophy-dystroglycanopathy (congenital with brain and eye anomalies), type A5. Also called: WALKER-WARBURG SYNDROME OR MUSCLE-EYE-BRAIN DISEASE, FKRP-RELATED; MUSCULAR DYSTROPHY-DYSTROGLYCANOPATHY (CONGENITAL WITH BRAIN AND EYE ANOMALIES), TYPE A, 5. Identifiers: Orphanet 588, Orphanet 899, MedGen C3150413, MONDO:0013157, OMIM 613153.
Muscular dystrophy-dystroglycanopathy type B5 (MDDGB5). Also called: MUSCULAR DYSTROPHY, CONGENITAL, 1C; MUSCULAR DYSTROPHY, CONGENITAL, FKRP-RELATED; MUSCULAR DYSTROPHY-DYSTROGLYCANOPATHY (CONGENITAL WITH OR WITHOUT IMPAIRED INTELLECTUAL DEVELOPMENT), TYPE B, 5. Identifiers: MedGen C1847759, MONDO:0011688, OMIM 606612.

Submissions (4):

Labcorp Genetics (formerly Invitae), Labcorp
Classification: Pathogenic for Walker-Warburg congenital muscular dystrophy. Last evaluated: 2025-09-02. Review status: criteria provided, single submitter. Criteria: Invitae Variant Classification Sherloc (09022015). Collection method: clinical testing. Allele origin: germline.
Comment: This variant, c.206_208del, results in the deletion of 1 amino acid(s) of the FKRP protein (p.Ser69del), but otherwise preserves the integrity of the reading frame. This variant is not present in population databases (gnomAD no frequency). This variant has been observed in individual(s) with clinical features of limb-girdle muscular dystrophy (PMID: 27142102, 27439679, 30003095, 37974208). In at least one individual the data is consistent with being in trans (on the opposite chromosome) from a pathogenic variant. This variant is also known as c.204_206del. ClinVar contains an entry for this variant (Variation ID: 939991). For these reasons, this variant has been classified as Pathogenic.

3billion
Classification: Likely pathogenic for Muscular dystrophy-dystroglycanopathy type B5. Last evaluated: 2025-04-18. Review status: criteria provided, single submitter. Criteria: ACMG Guidelines, 2015. Collection method: clinical testing. Allele origin: germline. Affected: yes.

Baylor Genetics
Classification: Likely pathogenic for Muscular dystrophy-dystroglycanopathy (congenital with brain and eye anomalies), type A5. Last evaluated: 2023-08-23. Review status: criteria provided, single submitter. Criteria: ACMG Guidelines, 2015. Collection method: clinical testing. Allele origin: unknown.

Natera, Inc.
Classification: Likely pathogenic for Limb-girdle muscular dystrophy type 2I. Last evaluated: 2021-02-24. Review status: no assertion criteria provided. Collection method: clinical testing. Allele origin: germline. Not counted in ClinVar's aggregate classification.

Literature cited by the submitters: PubMed 27142102 (cited by Labcorp Genetics (formerly Invitae), Labcorp and 3billion); PubMed 27439679 (cited by Labcorp Genetics (formerly Invitae), Labcorp); PubMed 30003095 (cited by Labcorp Genetics (formerly Invitae), Labcorp); PubMed 37974208 (cited by Labcorp Genetics (formerly Invitae), Labcorp).

NM_024301.5(FKRP):c.206_208del (p.Ser69del)

Gene: FKRP (fukutin related protein; plus strand). Cytogenetic location: 19q13.32.
Variant type: Deletion.
Coding change: c.206_208del on transcript NM_024301.5 (MANE Select); coding-DNA positions 206 to 208, 3 bases deleted (CCT; older notation c.206_208delCCT).
Protein change: p.Ser69del; deletes serine 69.
Molecular consequence: inframe deletion.
Genome position (GRCh38, 1-based): chr19:46,755,656-46,755,658, CCT deleted; deleting any 3 consecutive bases within chr19:46,755,654-46,755,658 gives the same sequence; the c. name uses the placement nearest the transcript's 3' end. VCF-style (leftmost placement, unchanged base first): chr19-46755653-ACTC-A. GRCh37 (hg19) VCF-style: chr19-47258910-ACTC-A.
Other names: c.206_208del, p.Ser69del (NM_001039885.3); short protein forms S69del.
Identifiers: ClinVar variation 939991 (VCV000939991.13), dbSNP rs2054893955, ClinGen allele CA1139666498.
Genomic context (GRCh38, chr19:46,755,653, plus strand): 5'-GTGTCACCGTCCTGGTGCGGGAGTTCGAGGCATTTGACAACGCGGTGCCCGAGCTGGTAG[ACTC>A]CTTCCTGCAGCAAGACCCAGCCCAGCCCGTGGTGGTGGCAGCCGACACGCTCCCCTACCC-3'